The following is an entry in ClinVar:

ClinVar aggregate classification (germline): Benign/Likely benign. Review status: criteria provided, multiple submitters, no conflicts (2 of 4 stars). 24 submissions from 17 submitters: Benign (20); Likely benign (2). 2 of the submissions do not count toward it. Last evaluated 2026-02-04.

Conditions:
Dilated cardiomyopathy 1G (CMD1G). Identifiers: Orphanet 154, MedGen C1858763, MONDO:0011400, OMIM 604145.
Autosomal recessive limb-girdle muscular dystrophy type 2J (LGMDR10). Also called: MUSCULAR DYSTROPHY, LIMB-GIRDLE, AUTOSOMAL RECESSIVE 10; Limb-girdle muscular dystrophy, type 2J. Identifiers: Orphanet 140922, MedGen C1837342, MONDO:0012127, OMIM 608807.
Cardiovascular phenotype. Identifiers: MedGen CN230736.
Early-onset myopathy with fatal cardiomyopathy (CMYO5). Also called: CONGENITAL MYOPATHY 5 WITH CARDIOMYOPATHY; Salih Myopathy. Identifiers: Orphanet 289377, MedGen C2673677, MONDO:0012714, OMIM 611705. Disease mechanism: loss of function.
Myopathy, myofibrillar, 9, with early respiratory failure (MFM9). Also called: Myopathy, distal, with early respiratory failure, autosomal dominant; Hereditary myopathy with early respiratory failure; MYOPATHY, PROXIMAL, WITH EARLY RESPIRATORY MUSCLE INVOLVEMENT; EDSTROM MYOPATHY. Identifiers: Orphanet 178464, Orphanet 34521, MedGen C1863599, MONDO:0011362, OMIM 603689.
Tibial muscular dystrophy (TMD). Also called: Udd Distal Myopathy – Tibial Muscular Dystrophy; Tibial muscular dystrophy, tardive; UDD MYOPATHY. Identifiers: Orphanet 609, MedGen C1838244, MONDO:0010870, OMIM 600334.

Allele frequency attached by ClinVar (database versions not stated): ESP Exome Variant Server 0.12523; 1000 Genomes Project 0.21246; TOPMed 0.13780; gnomAD 0.14021 and 0.13356; ExAC 0.17611; 1000 Genomes Project 30x 0.20581.
gnomAD v4.1: 246,905 of 1,609,696 alleles (15%); highest among the groups gnomAD compares: East Asian, 43%; 22,002 homozygotes.

Submissions (24):

Labcorp Genetics (formerly Invitae), Labcorp
Classification: Benign for Dilated cardiomyopathy 1G; Autosomal recessive limb-girdle muscular dystrophy type 2J. Last evaluated: 2026-02-04. Review status: criteria provided, single submitter. Criteria: Invitae Variant Classification Sherloc (09022015). Collection method: clinical testing. Allele origin: germline.

Molecular Diagnostic Laboratory for Inherited Cardiovascular Disease, Montreal Heart Institute
Classification: Benign. Last evaluated: 2025-04-09. Review status: criteria provided, single submitter. Criteria: ACMG Guidelines, 2015. Collection method: clinical testing. Allele origin: germline. Affected: no.

Genome-Nilou Lab
Classification: Benign for Autosomal recessive limb-girdle muscular dystrophy type 2J. Last evaluated: 2021-09-10. Review status: criteria provided, single submitter. Criteria: ACMG Guidelines, 2015. Collection method: clinical testing. Allele origin: germline. Affected: no.

Genome-Nilou Lab
Classification: Benign for Myopathy, myofibrillar, 9, with early respiratory failure. Last evaluated: 2021-09-10. Review status: criteria provided, single submitter. Criteria: ACMG Guidelines, 2015. Collection method: clinical testing. Allele origin: germline. Affected: no.

Genome-Nilou Lab
Classification: Benign for Early-onset myopathy with fatal cardiomyopathy. Last evaluated: 2021-09-10. Review status: criteria provided, single submitter. Criteria: ACMG Guidelines, 2015. Collection method: clinical testing. Allele origin: germline. Affected: no.

Genome-Nilou Lab
Classification: Benign for Tibial muscular dystrophy. Last evaluated: 2021-09-10. Review status: criteria provided, single submitter. Criteria: ACMG Guidelines, 2015. Collection method: clinical testing. Allele origin: germline. Affected: no.

Women's Health and Genetics/Laboratory Corporation of America, LabCorp
Classification: Likely benign. Last evaluated: 2020-08-18. Review status: criteria provided, single submitter. Criteria: LabCorp Variant Classification Summary - May 2015. Collection method: clinical testing. Allele origin: germline.

Athena Diagnostics
Classification: Benign. Last evaluated: 2018-09-21. Review status: criteria provided, single submitter. Criteria: Athena Diagnostics Criteria. Collection method: clinical testing. Allele origin: germline.

Illumina Laboratory Services, Illumina
Classification: Benign for Autosomal recessive limb-girdle muscular dystrophy type 2J. Last evaluated: 2018-01-12. Review status: criteria provided, single submitter. Criteria: ICSL Variant Classification Criteria 13 December 2019. Collection method: clinical testing. Allele origin: germline.
Comment: This variant was observed in the ICSL laboratory as part of a predisposition screen in an ostensibly healthy population. It had not been previously curated by ICSL or reported in the Human Gene Mutation Database (HGMD: prior to June 1st, 2018), and was therefore a candidate for classification through an automated scoring system. Utilizing variant allele frequency, disease prevalence and penetrance estimates, and inheritance mode, an automated score was calculated to assess if this variant is too frequent to cause the disease. Based on the score and internal cut-off values, a variant classified as benign is not then subjected to further curation. The score for this variant resulted in a classification of benign for this disease.

Illumina Laboratory Services, Illumina
Classification: Benign for Dilated cardiomyopathy 1G. Last evaluated: 2018-01-12. Review status: criteria provided, single submitter. Criteria: ICSL Variant Classification Criteria 13 December 2019. Collection method: clinical testing. Allele origin: germline.
Comment: the same text as in the submission from Illumina Laboratory Services, Illumina above.

Illumina Laboratory Services, Illumina
Classification: Benign for Early-onset myopathy with fatal cardiomyopathy. Last evaluated: 2018-01-12. Review status: criteria provided, single submitter. Criteria: ICSL Variant Classification Criteria 13 December 2019. Collection method: clinical testing. Allele origin: germline.
Comment: the same text as in the submission from Illumina Laboratory Services, Illumina above.

Illumina Laboratory Services, Illumina
Classification: Benign for Myopathy, myofibrillar, 9, with early respiratory failure. Last evaluated: 2018-01-12. Review status: criteria provided, single submitter. Criteria: ICSL Variant Classification Criteria 13 December 2019. Collection method: clinical testing. Allele origin: germline.
Comment: the same text as in the submission from Illumina Laboratory Services, Illumina above.

Illumina Laboratory Services, Illumina
Classification: Benign for Tibial muscular dystrophy. Last evaluated: 2018-01-12. Review status: criteria provided, single submitter. Criteria: ICSL Variant Classification Criteria 13 December 2019. Collection method: clinical testing. Allele origin: germline.
Comment: the same text as in the submission from Illumina Laboratory Services, Illumina above.

Mayo Clinic Laboratories, Mayo Clinic
Classification: Benign. Last evaluated: 2017-08-25. Review status: criteria provided, single submitter. Criteria: ACMG Guidelines, 2015. Collection method: clinical testing. Allele origin: germline. Observed: 629 variant alleles.

Eurofins Ntd Llc (ga)
Classification: Benign. Last evaluated: 2013-11-15. Review status: criteria provided, single submitter. Criteria: EGL Classification Definitions 2015. Collection method: clinical testing. Allele origin: germline. Observed: 1 variant allele, 1 heterozygote.

Genetic Services Laboratory, University of Chicago
Classification: Benign for AllHighlyPenetrant. Last evaluated: 2013-08-15. Review status: criteria provided, single submitter. Criteria: ACMG Guidelines, 2007. Collection method: clinical testing. Allele origin: germline.

Biesecker Lab/Clinical Genomics Section, National Institutes of Health
Classification: Benign. Last evaluated: 2013-06-24. Review status: criteria provided, single submitter. Criteria: Ng et al. (Circ Cardiovasc Genet. 2013). Collection method: research. Allele origin: unknown. Observed: 149 variant alleles. Study: ClinSeq.
Comment: The study set was not selected for affection status in relation to any cancer. Pathogenicity categories were based on literature curation. See Pubmed ID:23861362 for details.

Medical sequencing

Ambry Genetics
Classification: Benign for Cardiovascular phenotype. Last evaluated: 2013-01-16. Review status: criteria provided, single submitter. Criteria: Ambry Autosomal Dominant and X-Linked criteria (10/2015). Collection method: clinical testing. Allele origin: germline. Observed: 1 variant allele.

GeneDx
Classification: Benign. Last evaluated: 2012-10-31. Review status: criteria provided, single submitter. Criteria: GeneDx Variant Classification (06012015). Collection method: clinical testing. Allele origin: germline. Affected: yes.
Comment: This variant is considered likely benign or benign based on one or more of the following criteria: it is a conservative change, it occurs at a poorly conserved position in the protein, it is predicted to be benign by multiple in silico algorithms, and/or has population frequency not consistent with disease.

Laboratory for Molecular Medicine, Mass General Brigham Personalized Medicine
Classification: Benign. Last evaluated: 2012-04-11. Review status: criteria provided, single submitter. Criteria: LMM Criteria. Collection method: clinical testing. Allele origin: germline. Observed: 492 variant alleles.

Breakthrough Genomics
Classification: Likely benign. Review status: criteria provided, single submitter. Criteria: ACMG Guidelines, 2015. Collection method: not provided. Allele origin: germline. Inheritance: Autosomal recessive inheritance. Affected: yes.

PreventionGenetics, part of Exact Sciences
Classification: Benign. Review status: criteria provided, single submitter. Criteria: ACMG Guidelines, 2015. Collection method: clinical testing. Allele origin: germline.

Clinical Genetics DNA and cytogenetics Diagnostics Lab, Erasmus MC, Erasmus Medical Center
Classification: Benign. Review status: no assertion criteria provided. Collection method: clinical testing. Allele origin: germline. Affected: yes. Study: VKGL Data-share Consensus. Not counted in ClinVar's aggregate classification.

Clinical Genetics, Academic Medical Center
Classification: Benign. Review status: no assertion criteria provided. Collection method: clinical testing. Allele origin: germline. Affected: yes. Study: VKGL Data-share Consensus. Not counted in ClinVar's aggregate classification.

NM_001267550.2(TTN):c.58436G>A (p.Arg19479His)

Genes: TTN-AS1 (TTN antisense RNA 1; plus strand), TTN (titin; minus strand). Cytogenetic location: 2q31.2.
Variant type: single nucleotide variant.
Coding change: c.58436G>A on transcript NM_001267550.2 (MANE Select); coding-DNA position 58436, G replaced by A.
Protein change: p.Arg19479His; replaces arginine 19479 with histidine.
Molecular consequence: missense variant.
Genome position (GRCh38, 1-based): chr2:178,593,864, C>T on the plus strand (G>A on the coding strand, the complement: TTN is on the minus strand). VCF-style: chr2-178593864-C-T. GRCh37 (hg19) VCF-style: chr2-179458591-C-T.
Other names: p.R17838H:CGT>CAT; c.53513G>A, p.Arg17838His (NM_001256850.1); c.31241G>A, p.Arg10414His (NM_003319.4); c.50732G>A, p.Arg16911His (NM_133378.4); c.31616G>A, p.Arg10539His (NM_133432.3); c.31817G>A, p.Arg10606His (NM_133437.4); short protein forms R19479H, R16911H, R17838H, R10414H, R10539H, R10606H.
Identifiers: ClinVar variation 47136 (VCV000047136.37), dbSNP rs2288569, ClinGen allele CA283495.